The following is an entry in ClinVar:

NM_006514.4(SCN10A):c.2830G>A (p.Glu944Lys)

Genes: SCN10A (sodium voltage-gated channel alpha subunit 10; minus strand), LOC110121288 (VISTA enhancer hs2268; plus strand). Cytogenetic location: 3p22.2.
Variant type: single nucleotide variant.
Coding change: c.2830G>A on transcript NM_006514.4 (MANE Select); coding-DNA position 2830, G replaced by A.
Protein change: p.Glu944Lys; replaces glutamic acid 944 with lysine.
Molecular consequence: missense variant.
Genome position (GRCh38, 1-based): chr3:38,726,863, C>T on the plus strand (G>A on the coding strand, the complement: SCN10A is on the minus strand). VCF-style: chr3-38726863-C-T. GRCh37 (hg19) VCF-style: chr3-38768354-C-T.
Other names: c.2830G>A, p.Glu944Lys (NM_001293306.2); c.2536G>A, p.Glu846Lys (NM_001293307.2); short protein forms E846K, E944K.
Identifiers: ClinVar variation 1796588 (VCV001796588.6), dbSNP rs746281706, ClinGen allele CA2320423.

ClinVar aggregate classification (germline): Uncertain significance. Review status: criteria provided, multiple submitters, no conflicts (2 of 4 stars). 2 submissions from 2 submitters: Uncertain significance (2). Last evaluated 2024-09-09.

Conditions:
Cardiovascular phenotype. Identifiers: MedGen CN230736.
Brugada syndrome. Also called: Sudden unexplained nocturnal death syndrome; Sudden unexpected nocturnal death syndrome; Sudden Unexplained Death Syndrome; Sudden Unexplained Nocturnal Death Syndrome (SUNDS). Identifiers: Orphanet 130, MedGen C1142166, MONDO:0015263.

Allele frequency attached by ClinVar (database versions not stated): ExAC 0.00001; gnomAD 0.00001; gnomAD exomes 0.00002; TOPMed 0.00002.
gnomAD v4.1: 18 of 1,614,110 alleles (0.0011%); highest among the groups gnomAD compares: Admixed American, 0.0033%; no homozygotes.

Submissions (2):

Ambry Genetics
Classification: Uncertain significance for Cardiovascular phenotype. Last evaluated: 2024-09-09. Review status: criteria provided, single submitter. Criteria: Ambry Variant Classification Scheme 2023. Collection method: clinical testing. Allele origin: germline.
Comment: Does not currently meet published gene-disease clinical validity criteria Based on insufficient or conflicting evidence, the clinical significance of this alteration remains unclear.

Labcorp Genetics (formerly Invitae), Labcorp
Classification: Uncertain significance for Brugada syndrome. Last evaluated: 2021-12-26. Review status: criteria provided, single submitter. Criteria: Invitae Variant Classification Sherloc (09022015). Collection method: clinical testing. Allele origin: germline.
Comment: In summary, the available evidence is currently insufficient to determine the role of this variant in disease. Therefore, it has been classified as a Variant of Uncertain Significance. Advanced modeling of protein sequence and biophysical properties (such as structural, functional, and spatial information, amino acid conservation, physicochemical variation, residue mobility, and thermodynamic stability) performed at Invitae indicates that this missense variant is not expected to disrupt SCN10A protein function. This variant has not been reported in the literature in individuals affected with SCN10A-related conditions. This variant is present in population databases (rs746281706, gnomAD 0.003%). This sequence change replaces glutamic acid, which is acidic and polar, with lysine, which is basic and polar, at codon 944 of the SCN10A protein (p.Glu944Lys).

Literature cited by the submitters: PubMed 28106320 (cited by Ambry Genetics).